The following is an entry in ClinVar:

NM_001018005.2(TPM1):c.242C>T (p.Ala81Val)

Gene: TPM1 (tropomyosin 1; plus strand). Cytogenetic location: 15q22.2.
Variant type: single nucleotide variant.
Coding change: c.242C>T on transcript NM_001018005.2 (MANE Select); coding-DNA position 242, C replaced by T.
Protein change: p.Ala81Val; replaces alanine 81 with valine.
Molecular consequence: missense variant.
Genome position (GRCh38, 1-based): chr15:63,056,986, C>T. VCF-style: chr15-63056986-C-T. GRCh37 (hg19) VCF-style: chr15-63349185-C-T.
Other names: c.242C>T, p.Ala81Val (NM_000366.6, NM_001018004.2, NM_001018006.2 and 6 more transcripts); c.134C>T, p.Ala45Val (NM_001018008.2, NM_001301289.2, NM_001330344.2 and 5 more transcripts); c.368C>T, p.Ala123Val (NM_001365778.1); short protein forms A81V, A123V, A45V.
Identifiers: ClinVar variation 664136 (VCV000664136.13), dbSNP rs1596360642, ClinGen allele CA392720603.

ClinVar aggregate classification (germline): Uncertain significance. Review status: criteria provided, multiple submitters, no conflicts (2 of 4 stars). 3 submissions from 3 submitters: Uncertain significance (3). Last evaluated 2024-10-17.

Conditions:
Cardiovascular phenotype. Identifiers: MedGen CN230736.
Hypertrophic cardiomyopathy. Also called: HYPERTROPHIC MYOCARDIOPATHY. Identifiers: Orphanet 217569, MedGen C0007194, MeSH D002312, MONDO:0005045, HP:0001639.
Hypertrophic cardiomyopathy 3. Also called: TPM1-Related Familial Hypertrophic Cardiomyopathy. Identifiers: MedGen C1861863, MONDO:0007267, OMIM 115196.
Dilated cardiomyopathy 1Y (CMD1Y). Identifiers: Orphanet 154, Orphanet 54260, MedGen C2678476, MONDO:0012744, OMIM 611878.

Submissions (3):

Ambry Genetics
Classification: Uncertain significance for Cardiovascular phenotype. Last evaluated: 2024-10-17. Review status: criteria provided, single submitter. Criteria: Ambry Variant Classification Scheme 2023. Collection method: clinical testing. Allele origin: germline.
Comment: The p.A81V variant (also known as c.242C>T), located in coding exon 3 of the TPM1 gene, results from a C to T substitution at nucleotide position 242. The alanine at codon 81 is replaced by valine, an amino acid with similar properties. This amino acid position is highly conserved in available vertebrate species. In addition, this alteration is predicted to be deleterious by in silico analysis. Since supporting evidence is limited at this time, the clinical significance of this alteration remains unclear.

Labcorp Genetics (formerly Invitae), Labcorp
Classification: Uncertain significance for Hypertrophic cardiomyopathy. Last evaluated: 2022-11-15. Review status: criteria provided, single submitter. Criteria: Invitae Variant Classification Sherloc (09022015). Collection method: clinical testing. Allele origin: germline.
Comment: In summary, the available evidence is currently insufficient to determine the role of this variant in disease. Therefore, it has been classified as a Variant of Uncertain Significance. Algorithms developed to predict the effect of missense changes on protein structure and function are either unavailable or do not agree on the potential impact of this missense change (SIFT: "Deleterious"; PolyPhen-2: "Probably Damaging"; Align-GVGD: "Class C0"). ClinVar contains an entry for this variant (Variation ID: 664136). This variant has not been reported in the literature in individuals affected with TPM1-related conditions. This variant is not present in population databases (gnomAD no frequency). This sequence change replaces alanine, which is neutral and non-polar, with valine, which is neutral and non-polar, at codon 81 of the TPM1 protein (p.Ala81Val).

Juno Genomics, Hangzhou Juno Genomics, Inc
Classification: Uncertain significance for Dilated cardiomyopathy 1Y; Hypertrophic cardiomyopathy 3. Review status: criteria provided, single submitter. Criteria: ACMG Guidelines, 2015. Collection method: clinical testing. Allele origin: germline. Affected: yes.
Comment: Absent from controls (or at extremely low frequency if recessive) in Genome Aggregation Database, Exome Sequencing Project, 1000 Genomes Project, or Exome Aggregation Consortium.;Multiple lines of computational evidence support a deleterious effect on the gene or gene product (conservation, evolutionary, splicing impact, etc).